The following is an entry in ClinVar:

ClinVar aggregate classification (germline): Uncertain significance (1 of 4 stars; one submission).

Conditions:
Neuromuscular disease caused by qualitative or quantitative defects of dysferlin. Also called: Dysferlinopathy; Qualitative or quantitative defects of dysferlin. Identifiers: Orphanet 207073, MedGen C2931687, MONDO:0016145.

Submission:

Labcorp Genetics (formerly Invitae), Labcorp
Classification: Uncertain significance for Neuromuscular disease caused by qualitative or quantitative defects of dysferlin. Last evaluated: 2021-09-30. Review status: criteria provided, single submitter. Criteria: Invitae Variant Classification Sherloc (09022015). Collection method: clinical testing. Allele origin: germline.
Comment: This sequence change replaces glutamic acid with glycine at codon 1099 of the DYSF protein (p.Glu1099Gly). The glutamic acid residue is moderately conserved and there is a moderate physicochemical difference between glutamic acid and glycine. This variant is not present in population databases (ExAC no frequency). This variant has not been reported in the literature in individuals with DYSF-related conditions. Advanced modeling of protein sequence and biophysical properties (such as structural, functional, and spatial information, amino acid conservation, physicochemical variation, residue mobility, and thermodynamic stability) performed at Invitae indicates that this missense variant is not expected to disrupt DYSF protein function. In summary, the available evidence is currently insufficient to determine the role of this variant in disease. Therefore, it has been classified as a Variant of Uncertain Significance.

NM_001130987.2(DYSF):c.3350A>G (p.Glu1117Gly)

Gene: DYSF (dysferlin; plus strand). Cytogenetic location: 2p13.2.
Variant type: single nucleotide variant.
Coding change: c.3350A>G on transcript NM_001130987.2 (MANE Select); coding-DNA position 3350, A replaced by G.
Protein change: p.Glu1117Gly; replaces glutamic acid 1117 with glycine.
Molecular consequence: missense variant.
Genome position (GRCh38, 1-based): chr2:71,574,319, A>G. VCF-style: chr2-71574319-A-G. GRCh37 (hg19) VCF-style: chr2-71801449-A-G.
Other names: c.3299A>G, p.Glu1100Gly (NM_001130455.2, NM_001130983.2); c.3254A>G, p.Glu1085Gly (NM_001130976.2, NM_001130977.2); c.3296A>G, p.Glu1099Gly (NM_001130978.2, NM_003494.4); c.3389A>G, p.Glu1130Gly (NM_001130979.2); c.3347A>G, p.Glu1116Gly (NM_001130980.2, NM_001130981.2); c.3392A>G, p.Glu1131Gly (NM_001130982.2); c.3257A>G, p.Glu1086Gly (NM_001130984.2, NM_001130986.2); c.3350A>G, p.Glu1117Gly (NM_001130985.2); short protein forms E1116G, E1117G, E1131G, E1086G, E1100G, E1085G, E1099G, E1130G.
Identifiers: ClinVar variation 1430197 (VCV001430197.3), dbSNP rs2152823191, ClinGen allele CA347218299.